The following is an entry in ClinVar:

NM_001042492.3(NF1):c.8107C>A (p.Leu2703Met)

Gene: NF1 (neurofibromin 1; plus strand). Cytogenetic location: 17q11.2.
Variant type: single nucleotide variant.
Coding change: c.8107C>A on transcript NM_001042492.3 (MANE Select); coding-DNA position 8107, C replaced by A.
Protein change: p.Leu2703Met; replaces leucine 2703 with methionine.
Molecular consequence: missense variant.
Genome position (GRCh38, 1-based): chr17:31,358,616, C>A. VCF-style: chr17-31358616-C-A. GRCh37 (hg19) VCF-style: chr17-29685634-C-A.
Other names: c.8044C>A, p.Leu2682Met (NM_000267.4); short protein forms L2703M, L2682M.
Identifiers: ClinVar variation 457865 (VCV000457865.10), dbSNP rs955074155, ClinGen allele CA289711058.

ClinVar aggregate classification (germline): Conflicting classifications of pathogenicity. Review status: criteria provided, conflicting classifications (1 of 4 stars). 4 submissions from 4 submitters: Uncertain significance (2); Likely benign (1). 1 of the submissions does not count toward it. Last evaluated 2025-05-19.

Conditions:
NF1-related disorder. Also called: NF1-related condition. Identifiers: MedGen CN379171.
Cardiovascular phenotype. Identifiers: MedGen CN230736.
Hereditary cancer-predisposing syndrome. Also called: Hereditary Cancer Syndrome; Hereditary neoplastic syndrome; Tumor predisposition; Neoplastic Syndromes, Hereditary. Identifiers: Orphanet 140162, MedGen C0027672, MeSH D009386, MONDO:0015356.
Neurofibromatosis, type 1 (NF1). Also called: VON RECKLINGHAUSEN DISEASE; NEUROFIBROMATOSIS, TYPE I, SOMATIC; Peripheral type neurofibromatosis; Neurofibromatosis, type I. Identifiers: Orphanet 636, MedGen C0027831, MONDO:0018975, OMIM 162200. Disease mechanism: loss of function.

Submissions (4):

Labcorp Genetics (formerly Invitae), Labcorp
Classification: Likely benign for Neurofibromatosis, type 1. Last evaluated: 2025-05-19. Review status: criteria provided, single submitter. Criteria: Invitae Variant Classification Sherloc (09022015). Collection method: clinical testing. Allele origin: germline.

Ambry Genetics
Classification: Uncertain significance for Cardiovascular phenotype; Hereditary cancer-predisposing syndrome. Last evaluated: 2024-07-08. Review status: criteria provided, single submitter. Criteria: Ambry Variant Classification Scheme 2023. Collection method: clinical testing. Allele origin: germline.
Comment: The p.L2682M variant (also known as c.8044C>A), located in coding exon 54 of the NF1 gene, results from a C to A substitution at nucleotide position 8044. The leucine at codon 2682 is replaced by methionine, an amino acid with highly similar properties. This amino acid position is highly conserved in available vertebrate species. In addition, this alteration is predicted to be tolerated by in silico analysis. Since supporting evidence is limited at this time, the clinical significance of this alteration remains unclear.

GeneDx
Classification: Uncertain significance. Last evaluated: 2023-01-09. Review status: criteria provided, single submitter. Criteria: GeneDx Variant Classification Process June 2021. Collection method: clinical testing. Allele origin: germline. Affected: yes.
Comment: Not observed at significant frequency in large population cohorts (gnomAD); In silico analysis supports that this missense variant does not alter protein structure/function; Has not been previously published as pathogenic or benign to our knowledge; This variant is associated with the following publications: (PMID: 25486365)

PreventionGenetics, part of Exact Sciences
Classification: Uncertain significance for NF1-related condition. Last evaluated: 2024-07-25. Review status: no assertion criteria provided. Collection method: clinical testing. Allele origin: germline. Not counted in ClinVar's aggregate classification.
Comment: The NF1 c.8107C>A variant is predicted to result in the amino acid substitution p.Leu2703Met. This variant is also known as c.8044C>A (p.Leu2682Met) on transcript NM_000267.3 which is the main reportable transcript for hereditary cancer. To our knowledge, this variant has not been reported in the literature or in a large population database, indicating this variant is rare. This variant is classified as a variant of uncertain significance by multiple labs in ClinVar. At this time, the clinical significance of this variant is uncertain due to the absence of conclusive functional and genetic evidence.